The following is an entry in ClinVar:

NM_000548.5(TSC2):c.2640-1G>A

Gene: TSC2 (TSC complex subunit 2; plus strand). Cytogenetic location: 16p13.3.
Variant type: single nucleotide variant.
Coding change: c.2640-1G>A on transcript NM_000548.5 (MANE Select); the canonical splice acceptor site of the intron before coding-DNA position 2640, G replaced by A.
Molecular consequence: splice acceptor variant.
Genome position (GRCh38, 1-based): chr16:2,076,067, G>A. VCF-style: chr16-2076067-G-A. GRCh37 (hg19) VCF-style: chr16-2126068-G-A.
Other names: c.1296-1G>A (NM_001406693.1, NM_001406689.1, NM_001406690.1 and 6 more transcripts); c.2730-1G>A (NM_001406667.1, NM_001406668.1); c.2040-1G>A (NM_001406680.1, NM_001406683.1, NM_001406687.1 and 6 more transcripts); c.1038-1G>A (NM_001406698.1); c.2640-1G>A (NM_001114382.3, NM_001406663.1, NM_001406664.1 and 6 more transcripts); c.2628-1G>A (NM_001406671.1, NM_001406673.1); c.2178-1G>A (NM_001406681.1); c.2529-1G>A (NM_001406670.1, NM_001318827.2, NM_001406678.1); and 3 more.
Identifiers: ClinVar variation 65277 (VCV000065277.9), dbSNP rs397515203, ClinGen allele CA017781.

ClinVar aggregate classification (germline): Pathogenic. Review status: criteria provided, multiple submitters, no conflicts (2 of 4 stars). 3 submissions from 3 submitters: Pathogenic (2). 1 of the submissions does not count toward it. Last evaluated 2023-10-03.

Conditions:
Tuberous sclerosis syndrome (TSC). Also called: Tuberous Sclerosis Complex; Tuberous sclerosis. Identifiers: Orphanet 805, MedGen C0041341, MONDO:0001734.
Tuberous sclerosis 2 (TSC2). Identifiers: Orphanet 805, MedGen C1860707, MONDO:0013199, OMIM 613254.

Submissions (3):

Labcorp Genetics (formerly Invitae), Labcorp
Classification: Pathogenic for Tuberous sclerosis 2. Last evaluated: 2023-10-03. Review status: criteria provided, single submitter. Criteria: Invitae Variant Classification Sherloc (09022015). Collection method: clinical testing. Allele origin: germline.
Comment: This sequence change affects an acceptor splice site in intron 23 of the TSC2 gene. It is expected to disrupt RNA splicing. Variants that disrupt the donor or acceptor splice site typically lead to a loss of protein function (PMID: 16199547), and loss-of-function variants in TSC2 are known to be pathogenic (PMID: 10205261, 17304050). This variant is not present in population databases (gnomAD no frequency). Disruption of this splice site has been observed in individual(s) with tuberous sclerosis complex (PMID: 32313033). ClinVar contains an entry for this variant (Variation ID: 65277). Algorithms developed to predict the effect of sequence changes on RNA splicing suggest that this variant may disrupt the consensus splice site. For these reasons, this variant has been classified as Pathogenic.

GeneDx
Classification: Pathogenic. Last evaluated: 2016-06-13. Review status: criteria provided, single submitter. Criteria: GeneDx Variant Classification (06012015). Collection method: clinical testing. Allele origin: germline. Affected: yes.
Comment: The c.2640-1 G>A splice site variant in the TSC2 gene has been previously reported as a pathogenic variant in the TSC2 LOVD database. It was not observed in approximately 6,500 individuals of European and African American ancestry in the NHLBI Exome Sequencing Project, indicating it is not a common benign variant in these populations. This pathogenic variant destroys the canonical splice acceptor site in intron 23, and is expected to cause abnormal gene splicing. Therefore, the presence of the c.2640-1 G>A pathogenic variant is consistent with a diagnosis of tuberous sclerosis

Tuberous sclerosis database (TSC2)
No classification provided. Condition: TSC. Review status: no classification provided. Criteria: Tuberous Sclerosis Database Assertion Criteria 2015. Collection method: curation. Allele origin: germline. Affected: yes. Not counted in ClinVar's aggregate classification.

Literature cited by the submitters: PubMed 16199547 (cited by Labcorp Genetics (formerly Invitae), Labcorp); PubMed 10205261 (cited by Labcorp Genetics (formerly Invitae), Labcorp); PubMed 17304050 (cited by Labcorp Genetics (formerly Invitae), Labcorp); PubMed 32313033 (cited by Labcorp Genetics (formerly Invitae), Labcorp).